The following is an entry in ClinVar:

NM_001323289.2(CDKL5):c.2303_2313delinsT (p.Ser768fs)

Gene: CDKL5 (cyclin dependent kinase like 5; plus strand). Cytogenetic location: Xp22.13.
Variant type: Indel.
Coding change: c.2303_2313delinsT on transcript NM_001323289.2 (MANE Select); coding-DNA positions 2303 to 2313, CAGAGCAACTC replaced by T.
Protein change: p.Ser768fs; shifts the reading frame from serine 768.
Molecular consequence: frameshift variant.
Genome position (GRCh38, 1-based): chrX:18,619,893-18,619,903, CAGAGCAACTC replaced by T. VCF-style: chrX-18619893-CAGAGCAACTC-T. GRCh37 (hg19) VCF-style: chrX-18638013-CAGAGCAACTC-T.
Other names: c.2303_2313delinsT, p.Ser768fs (NM_001037343.2, NM_003159.3); short protein forms S768fs.
Identifiers: ClinVar variation 4814120 (VCV004814120.1).
Genomic context (GRCh38, chrX:18,619,893, plus strand): 5'-AAAATCAATATGATAAAAATGTCTTCTCATTTAGGAAAAGTCCTGAAAATATTAGTCATT[CAGAGCAACTC>T]AAGGAAAAAGAGAAGCAAGGATTTTTCAGGTCAATGAAAAAGAAAAAGAAGAAATCTCAA-3'

ClinVar aggregate classification (germline): Likely pathogenic (1 of 4 stars; one submission).

Conditions:
Developmental and epileptic encephalopathy, 2 (DEE2). Also called: INFANTILE SPASM SYNDROME, X-LINKED 2; CDKL5 deficiency disorder. Identifiers: Orphanet 1934, Orphanet 3451, Orphanet 505652, MedGen C4750718, MONDO:0010396, OMIM 300672.

Submission:

OLLIN Analises Genomicas, OLLIN
Classification: Likely pathogenic for Developmental and epileptic encephalopathy, 2. Last evaluated: 2025-10-29. Review status: criteria provided, single submitter. Criteria: ACMG Guidelines 2015 PMID 25741868. Collection method: clinical testing. Allele origin: germline. Affected: yes. Observed: 1 variant allele.
Comment: The frameshift variant (chrX:18619893CAGAGCAACTC>T), located in exon 16 (of 18), is not reported in the gnomAD v4.1 non-UKB or ClinVar databases, nor was it found in the scientific literature. This variant promotes a frameshift with subsequent introduction of a premature stop codon, resulting in a truncated protein or mRNA degradation via nonsense-mediated decay (NMD). According to currently available evidence and the specific ClinGen criteria for the gene (PMID: 34837432), this variant has been classified as likely pathogenic (PVS1, PM2_P).

Literature cited by the submitters: PubMed 34837432.